The following is an entry in ClinVar:

ClinVar aggregate classification (germline): Uncertain significance (1 of 4 stars; one submission).

Conditions:
Cardiovascular phenotype. Identifiers: MedGen CN230736.

gnomAD v4.1: 17 of 1,612,568 alleles (0.0011%); highest among the groups gnomAD compares: Non-Finnish European, 0.0014%; no homozygotes.

Submission:

Ambry Genetics
Classification: Uncertain significance for Cardiovascular phenotype. Last evaluated: 2025-04-29. Review status: criteria provided, single submitter. Criteria: Ambry Variant Classification Scheme 2023. Collection method: clinical testing. Allele origin: germline.
Comment: The p.A321G variant (also known as c.962C>G), located in coding exon 7 of the LMF1 gene, results from a C to G substitution at nucleotide position 962. The alanine at codon 321 is replaced by glycine, an amino acid with similar properties. This amino acid position is well conserved in available vertebrate species. In addition, this alteration is predicted to be tolerated by in silico analysis. Based on the available evidence, the clinical significance of this variant remains unclear.

NM_022773.4(LMF1):c.962C>G (p.Ala321Gly)

Gene: LMF1 (lipase maturation factor 1; minus strand). Cytogenetic location: 16p13.3.
Variant type: single nucleotide variant.
Coding change: c.962C>G on transcript NM_022773.4 (MANE Select); coding-DNA position 962, C replaced by G.
Protein change: p.Ala321Gly; replaces alanine 321 with glycine.
Molecular consequence: missense variant. On other transcripts: non-coding transcript variant (1).
Genome position (GRCh38, 1-based): chr16:871,277, G>C on the plus strand (C>G on the coding strand, the complement: LMF1 is on the minus strand). VCF-style: chr16-871277-G-C. GRCh37 (hg19) VCF-style: chr16-921277-G-C.
Other names: c.311C>G, p.Ala104Gly (NM_001352017.2, NM_001352021.2); c.563C>G, p.Ala188Gly (NM_001352018.2); c.635C>G, p.Ala212Gly (NM_001352019.2); c.962C>G, p.Ala321Gly (NM_001352020.1); short protein forms A188G, A212G, A104G, A321G.
Identifiers: ClinVar variation 4047692 (VCV004047692.1).